The following is an entry in ClinVar:

ClinVar aggregate classification (germline): Pathogenic (1 of 4 stars; one submission).

Conditions:
Charcot-Marie-Tooth disease type 4. Also called: Charcot-Marie-Tooth, Type 4; Charcot-Marie-Tooth disease, type IV. Identifiers: Orphanet 64749, MedGen C4082197, MONDO:0018995.

Submission:

Labcorp Genetics (formerly Invitae), Labcorp
Classification: Pathogenic for Charcot-Marie-Tooth disease type 4. Last evaluated: 2022-02-14. Review status: criteria provided, single submitter. Criteria: Invitae Variant Classification Sherloc (09022015). Collection method: clinical testing. Allele origin: germline.
Comment: This sequence change creates a premature translational stop signal (p.Tyr1751*) in the SBF2 gene. It is expected to result in an absent or disrupted protein product. Loss-of-function variants in SBF2 are known to be pathogenic (PMID: 12687498, 25873783). For these reasons, this variant has been classified as Pathogenic. This variant has not been reported in the literature in individuals affected with SBF2-related conditions. This variant is not present in population databases (gnomAD no frequency).

Literature cited by the submitters: PubMed 12687498; PubMed 25873783.

NM_030962.4(SBF2):c.5250_5251del (p.Leu1750_Tyr1751insTer)

Genes: SBF2 (SET binding factor 2; minus strand), SBF2-AS1 (SBF2 antisense RNA 1; plus strand), LOC105369149 (uncharacterized LOC105369149; plus strand). Cytogenetic location: 11p15.4.
Variant type: Deletion.
Coding change: c.5250_5251del on transcript NM_030962.4 (MANE Select); coding-DNA positions 5250 to 5251, 2 bases deleted (TT; older notation c.5250_5251delTT).
Protein change: p.Leu1750_Tyr1751insTer.
Molecular consequence: frameshift variant.
Genome position (GRCh38, 1-based): chr11:9,784,419-9,784,420, AA deleted on the plus strand (TT on the coding strand, the reverse complement: SBF2 is on the minus strand); deleting any 2 consecutive bases within chr11:9,784,419-9,784,421 gives the same sequence; the c. name uses the placement nearest the transcript's 3' end. VCF-style (leftmost placement, unchanged base first): chr11-9784418-TAA-T. GRCh37 (hg19) VCF-style: chr11-9805965-TAA-T.
Other names: c.5346_5347del, p.Leu1782_Tyr1783insTer (NM_001386339.1); c.5121_5122del, p.Leu1707_Tyr1708insTer (NM_001386342.1).
Identifiers: ClinVar variation 2071726 (VCV002071726.4), dbSNP rs1564849558, ClinGen allele CA918817272.